The following is an entry in ClinVar:

ClinVar aggregate classification (germline): Pathogenic (1 of 4 stars; one submission).

Conditions:
Autosomal recessive nonsyndromic hearing loss 28. Identifiers: Orphanet 90636, MedGen C1853276, MONDO:0012355, OMIM 609823.

Allele frequency attached by ClinVar (database versions not stated): ExAC 0.00001; gnomAD 0.00002; gnomAD exomes 0.00005.
gnomAD v4.1: 73 of 1,509,246 alleles (0.0048%); highest among the groups gnomAD compares: Middle Eastern, 0.017%; no homozygotes.

Submission:

King Laboratory, University of Washington
Classification: Pathogenic for Autosomal recessive nonsyndromic hearing loss 28. Last evaluated: 2023-02-28. Review status: criteria provided, single submitter. Criteria: Li et al. (Genet Med. 2022). Collection method: research. Allele origin: unknown. Affected: yes.
Comment: This variant occurred in compound heterozygosity with a TRIOBP missense variant in a patient with bilateral sensorineural hearing loss of onset <18 years, in a study of pediatric hearing loss conducted by the King Laboratory (Carlson RJ et al. JAMA-OtoHNS 2023). These two variants were confirmed to be in trans orientation by parental sequencing. This variant is a nonsense variant that creates an early stop at position 621 of the otherwise 2365 amino acid TRIOBP protein. As of January 2023, this variant has not been reported to ClinVar and is not found on gnomAD. Based on the prediction that this variant leads to a truncated protein and goodness of fit of genotype to phenotype, we conclude that this variant is pathogenic.

Literature cited by the submitters: PubMed 36633841.

NM_001039141.3(TRIOBP):c.1861C>T (p.Arg621Ter)

Gene: TRIOBP (TRIO and F-actin binding protein; plus strand). Cytogenetic location: 22q13.1.
Variant type: single nucleotide variant.
Coding change: c.1861C>T on transcript NM_001039141.3 (MANE Select); coding-DNA position 1861, C replaced by T.
Protein change: p.Arg621Ter; replaces arginine 621 with a stop codon.
Molecular consequence: nonsense.
Genome position (GRCh38, 1-based): chr22:37,724,417, C>T. VCF-style: chr22-37724417-C-T. GRCh37 (hg19) VCF-style: chr22-38120424-C-T.
Other names: short protein forms R621*.
Identifiers: ClinVar variation 2445672 (VCV002445672.1), dbSNP rs747160833, ClinGen allele CA10223709.